The following is an entry in ClinVar:

ClinVar aggregate classification (germline): Pathogenic (1 of 4 stars; one submission).

Conditions:
Inborn genetic diseases. Identifiers: MedGen C0950123, MeSH D030342.

Submission:

Ambry Genetics
Classification: Pathogenic for Inborn genetic diseases. Last evaluated: 2026-03-16. Review status: criteria provided, single submitter. Criteria: Ambry Variant Classification Scheme 2023. Collection method: clinical testing. Allele origin: germline.
Comment: The c.88-2A>G intronic variant consists of an A to G substitution two nucleotide(s) before exon 4 (coding exon 2) of the ANKRD11 gene. Variants that disrupt the canonical splice site are expected to cause aberrant splicing, resulting in an abnormal protein or a transcript that is subject to nonsense-mediated mRNA decay. This variant was not reported in population-based cohorts in the Genome Aggregation Database (gnomAD). This nucleotide position is highly conserved in available vertebrate species. RNA studies have demonstrated that this variant results in abnormal splicing in the set of samples tested (Ambry internal data). In silico splice site analysis predicts that this alteration will weaken the native splice acceptor site and will result in the creation or strengthening of a novel splice acceptor site. Based on the available evidence, this alteration is classified as pathogenic.

Literature cited by the submitters: PubMed 25954003; PubMed 27618451; PubMed 28490743.

NM_013275.6(ANKRD11):c.88-2A>G

Gene: ANKRD11 (ankyrin repeat domain 11; minus strand). Cytogenetic location: 16q24.3.
Variant type: single nucleotide variant.
Coding change: c.88-2A>G on transcript NM_013275.6 (MANE Select); the canonical splice acceptor site of the intron before coding-DNA position 88, A replaced by G.
Molecular consequence: splice acceptor variant.
Genome position (GRCh38, 1-based): chr16:89,305,346, T>C on the plus strand (A>G on the coding strand, the complement: ANKRD11 is on the minus strand). VCF-style: chr16-89305346-T-C. GRCh37 (hg19) VCF-style: chr16-89371754-T-C.
Other names: c.88-2A>G (NM_001256183.2, NM_001256182.2).
Identifiers: ClinVar variation 4578152 (VCV004578152.2).